The following is an entry in ClinVar:

NM_001375524.1(TRRAP):c.5774C>T (p.Ala1925Val)

Gene: TRRAP (transformation/transcription domain associated protein; plus strand). Cytogenetic location: 7q22.1.
Variant type: single nucleotide variant.
Coding change: c.5774C>T on transcript NM_001375524.1 (MANE Select); coding-DNA position 5774, C replaced by T.
Protein change: p.Ala1925Val; replaces alanine 1925 with valine.
Molecular consequence: missense variant.
Genome position (GRCh38, 1-based): chr7:98,955,141, C>T. VCF-style: chr7-98955141-C-T. GRCh37 (hg19) VCF-style: chr7-98552764-C-T.
Other names: c.5753C>T, p.Ala1918Val (NM_001244580.2); c.5699C>T, p.Ala1900Val (NM_003496.4); c.5699C>T (NM_003496.3); short protein forms A1900V, A1918V, A1925V.
Identifiers: ClinVar variation 2072895 (VCV002072895.7), dbSNP rs150693311, ClinGen allele CA4360657.

ClinVar aggregate classification (germline): Uncertain significance. Review status: criteria provided, multiple submitters, no conflicts (2 of 4 stars). 3 submissions from 3 submitters: Uncertain significance (3). Last evaluated 2024-11-07.

Allele frequency attached by ClinVar (database versions not stated): TOPMed 0.00008; 1000 Genomes Project 30x 0.00031; ExAC 0.00007; ESP Exome Variant Server 0.00031; gnomAD 0.00009; 1000 Genomes Project 0.00020.
gnomAD v4.1: 159 of 1,614,194 alleles (0.0099%); highest among the groups gnomAD compares: Non-Finnish European, 0.013%; no homozygotes.

Submissions (3):

Dasa
Classification: Uncertain significance. Last evaluated: 2024-11-07. Review status: criteria provided, single submitter. Criteria: DASA Assertion Criteria. Collection method: clinical testing. Allele origin: germline.
Comment: NM_001375524.1(TRRAP):c.5774C>T (p.Ala1925Val) is a missense variant that results in the substitution of alanine with valine. This variant is rare in population databases. Computational prediction algorithms are consistent with a benign effect. The currently available literature and clinical evidence are not sufficient to establish a definitive association between this variant and the reported condition. Therefore, this variant is classified as a variant of uncertain significance.

Labcorp Genetics (formerly Invitae), Labcorp
Classification: Uncertain significance. Last evaluated: 2024-08-08. Review status: criteria provided, single submitter. Criteria: Invitae Variant Classification Sherloc (09022015). Collection method: clinical testing. Allele origin: germline.
Comment: This sequence change replaces alanine, which is neutral and non-polar, with valine, which is neutral and non-polar, at codon 1900 of the TRRAP protein (p.Ala1900Val). This variant is present in population databases (rs150693311, gnomAD 0.01%). This variant has not been reported in the literature in individuals affected with TRRAP-related conditions. ClinVar contains an entry for this variant (Variation ID: 2072895). Advanced modeling of protein sequence and biophysical properties (such as structural, functional, and spatial information, amino acid conservation, physicochemical variation, residue mobility, and thermodynamic stability) performed at Invitae indicates that this missense variant is not expected to disrupt TRRAP protein function with a negative predictive value of 80%. In summary, the available evidence is currently insufficient to determine the role of this variant in disease. Therefore, it has been classified as a Variant of Uncertain Significance.

GeneDx
Classification: Uncertain significance. Last evaluated: 2024-07-30. Review status: criteria provided, single submitter. Criteria: GeneDx Variant Classification Process June 2021. Collection method: clinical testing. Allele origin: germline. Affected: yes.
Comment: In silico analysis indicates that this missense variant does not alter protein structure/function; Has not been previously published as pathogenic or benign to our knowledge